The following is an entry in ClinVar:

NM_000090.4(COL3A1):c.2867G>T (p.Arg956Leu)

Gene: COL3A1 (collagen type III alpha 1 chain; plus strand). Cytogenetic location: 2q32.2.
Variant type: single nucleotide variant.
Coding change: c.2867G>T on transcript NM_000090.4 (MANE Select); coding-DNA position 2867, G replaced by T.
Protein change: p.Arg956Leu; replaces arginine 956 with leucine.
Molecular consequence: missense variant.
Genome position (GRCh38, 1-based): chr2:189,004,300, G>T. VCF-style: chr2-189004300-G-T. GRCh37 (hg19) VCF-style: chr2-189869026-G-T.
Other names: short protein forms R956L.
Identifiers: ClinVar variation 2051863 (VCV002051863.4), dbSNP rs2469154176, ClinGen allele CA349844542.

ClinVar aggregate classification (germline): Uncertain significance (1 of 4 stars; one submission).

Conditions:
Ehlers-Danlos syndrome, type 4 (EDSVASC). Also called: Ehlers-Danlos syndrome vascular type; Ehlers Danlos syndrome, ecchymotic type; Ehlers Danlos syndrome, arterial type; Ehlers Danlos syndrome, Sack-Barabas type; Ehlers-Danlos Syndrome Type IV. Identifiers: Orphanet 286, MedGen C0268338, MONDO:0017314, OMIM 130050.

Submission:

Labcorp Genetics (formerly Invitae), Labcorp
Classification: Uncertain significance for Ehlers-Danlos syndrome, type 4. Last evaluated: 2021-12-21. Review status: criteria provided, single submitter. Criteria: Invitae Variant Classification Sherloc (09022015). Collection method: clinical testing. Allele origin: germline.
Comment: This sequence change replaces arginine, which is basic and polar, with leucine, which is neutral and non-polar, at codon 956 of the COL3A1 protein (p.Arg956Leu). This variant is not present in population databases (gnomAD no frequency). This variant has not been reported in the literature in individuals affected with COL3A1-related conditions. Advanced modeling of protein sequence and biophysical properties (such as structural, functional, and spatial information, amino acid conservation, physicochemical variation, residue mobility, and thermodynamic stability) performed at Invitae indicates that this missense variant is not expected to disrupt COL3A1 protein function. In summary, the available evidence is currently insufficient to determine the role of this variant in disease. Therefore, it has been classified as a Variant of Uncertain Significance.